The following is an entry in ClinVar:

NM_020923.3(ZDBF2):c.1641G>C (p.Gln547His)

Gene: ZDBF2 (zinc finger DBF-type containing 2; plus strand). Cytogenetic location: 2q33.3.
Variant type: single nucleotide variant.
Coding change: c.1641G>C on transcript NM_020923.3 (MANE Select); coding-DNA position 1641, G replaced by C.
Protein change: p.Gln547His; replaces glutamine 547 with histidine.
Molecular consequence: missense variant.
Genome position (GRCh38, 1-based): chr2:206,306,169, G>C. VCF-style: chr2-206306169-G-C. GRCh37 (hg19) VCF-style: chr2-207170893-G-C.
Other names: c.1635G>C, p.Gln545His (NM_001285549.2); c.1641G>C, p.Gln547His (NM_001369654.1); short protein forms Q545H, Q547H.
Identifiers: ClinVar variation 4748926 (VCV004748926.1).
Genomic context (GRCh38, chr2:206,306,169, plus strand): 5'-TGATAAGAACTATGGTTCCAGTAGCTCTGAAGTAAGTGCTGATTCTGTTTTCCCACTGCA[G>C]TCAGTGGTTGACAGACCCCCAGTGGCTGTCACAGAAACAAAACTTCGGAAGAAGGCTCAT-3'
Protein context (NP_065974.1, residues 537-557): EVSADSVFPL[Gln547His]SVVDRPPVAV

ClinVar aggregate classification (germline): Uncertain significance (1 of 4 stars; one submission).

gnomAD v4.1: 16 of 1,613,758 alleles (0.00099%); highest among the groups gnomAD compares: South Asian, 0.016%; no homozygotes.

Submission:

Labcorp Genetics (formerly Invitae), Labcorp
Classification: Uncertain significance. Last evaluated: 2026-01-08. Review status: criteria provided, single submitter. Criteria: Invitae Variant Classification Sherloc (09022015). Collection method: clinical testing. Allele origin: germline.
Comment: This sequence change replaces glutamine, which is neutral and polar, with histidine, which is basic and polar, at codon 547 of the ZDBF2 protein (p.Gln547His). This variant is present in population databases (rs754830129, gnomAD 0.01%). This variant has not been reported in the literature in individuals affected with ZDBF2-related conditions. An algorithm developed to predict the effect of missense changes on protein structure and function (PolyPhen-2) suggests that this variant is likely to be disruptive. In summary, the available evidence is currently insufficient to determine the role of this variant in disease. Therefore, it has been classified as a Variant of Uncertain Significance.